The following is an entry in ClinVar:

NM_001127178.3(PIGG):c.35G>C (p.Cys12Ser)

Gene: PIGG (phosphatidylinositol glycan anchor biosynthesis class G (EMM blood group); plus strand). Cytogenetic location: 4p16.3.
Variant type: single nucleotide variant.
Coding change: c.35G>C on transcript NM_001127178.3 (MANE Select); coding-DNA position 35, G replaced by C.
Protein change: p.Cys12Ser; replaces cysteine 12 with serine.
Molecular consequence: missense variant. On other transcripts: 5 prime UTR variant (9), non-coding transcript variant (10), intron variant (1).
Genome position (GRCh38, 1-based): chr4:499,370, G>C. VCF-style: chr4-499370-G-C. GRCh37 (hg19) VCF-style: chr4-493159-G-C.
Other names: c.35G>C, p.Cys12Ser (NM_001289052.2, NM_001345989.2, NM_017733.5); c.-791G>C (NM_001289053.2); c.-402G>C (NM_001289055.2); c.-469G>C (NM_001289057.2, NM_001345986.2, NM_001345987.2); c.-1089G>C (NM_001345988.2); c.-1591G>C (NM_001345990.2); c.-1689G>C (NM_001345991.2); c.-1414G>C (NM_001345994.2); and 1 more; short protein forms C12S.
Identifiers: ClinVar variation 1360848 (VCV001360848.9), dbSNP rs1289974701, ClinGen allele CA355888443.

ClinVar aggregate classification (germline): Uncertain significance (1 of 4 stars; one submission).

Conditions:
Intellectual disability, autosomal recessive 53 (NEDHSCA). Also called: NEURODEVELOPMENTAL DISORDER WITH OR WITHOUT HYPOTONIA, SEIZURES, AND CEREBELLAR ATROPHY; GLYCOSYLPHOSPHATIDYLINOSITOL BIOSYNTHESIS DEFECT 13; Mental retardation, autosomal recessive 53. Identifiers: Orphanet 488635, MedGen C4310794, MONDO:0014832, OMIM 616917.

gnomAD v4.1: 2 of 1,609,978 alleles (0.00012%); highest among the groups gnomAD compares: Non-Finnish European, 0.00017%; no homozygotes.

Submission:

Labcorp Genetics (formerly Invitae), Labcorp
Classification: Uncertain significance for Intellectual disability, autosomal recessive 53. Last evaluated: 2022-07-05. Review status: criteria provided, single submitter. Criteria: Invitae Variant Classification Sherloc (09022015). Collection method: clinical testing. Allele origin: germline.
Comment: In summary, the available evidence is currently insufficient to determine the role of this variant in disease. Therefore, it has been classified as a Variant of Uncertain Significance. Algorithms developed to predict the effect of missense changes on protein structure and function are either unavailable or do not agree on the potential impact of this missense change (SIFT: "Tolerated"; PolyPhen-2: "Probably Damaging"; Align-GVGD: "Class C0"). ClinVar contains an entry for this variant (Variation ID: 1360848). This variant has not been reported in the literature in individuals affected with PIGG-related conditions. This variant is not present in population databases (gnomAD no frequency). This sequence change replaces cysteine, which is neutral and slightly polar, with serine, which is neutral and polar, at codon 12 of the PIGG protein (p.Cys12Ser).